The following is an entry in ClinVar:

ClinVar aggregate classification (germline): Conflicting classifications of pathogenicity. Review status: criteria provided, conflicting classifications (1 of 4 stars). 3 submissions from 3 submitters: Uncertain significance (1); Benign (1); Likely benign (1). Last evaluated 2026-01-11.

Conditions:
Severe combined immunodeficiency due to CARMIL2 deficiency. Also called: IMMUNODEFICIENCY 58. Identifiers: Orphanet 542301, MedGen C4748304, MONDO:0029134, OMIM 618131.

Allele frequency attached by ClinVar (database versions not stated): TOPMed 0.00032; gnomAD 0.00036; 1000 Genomes Project 0.00040; 1000 Genomes Project 30x 0.00062; ExAC 0.00067.
gnomAD v4.1: 468 of 1,594,242 alleles (0.029%); highest among the groups gnomAD compares: Admixed American, 0.046%; 4 homozygotes.

Submissions (3):

Labcorp Genetics (formerly Invitae), Labcorp
Classification: Benign. Last evaluated: 2026-01-11. Review status: criteria provided, single submitter. Criteria: Invitae Variant Classification Sherloc (09022015). Collection method: clinical testing. Allele origin: germline.

Blueprint Genetics
Classification: Likely benign. Last evaluated: 2024-08-07. Review status: criteria provided, single submitter. Criteria: ACMG Guidelines, 2015. Collection method: clinical testing. Allele origin: germline.

Center for Genomics, Ann and Robert H. Lurie Children's Hospital of Chicago
Classification: Uncertain significance for Severe combined immunodeficiency due to CARMIL2 deficiency. Last evaluated: 2022-06-27. Review status: criteria provided, single submitter. Criteria: ACMG Guidelines, 2015. Collection method: clinical testing. Allele origin: germline.
Comment: This variant has not been reported in the literature but is present in the Genome Aggregation Database (Highest reported MAF: 1.0% [99/9550], including 1 homozygote). Evolutionary conservation and computational predictive tools suggest that this variant may not impact the protein. In summary, data on this variant is insufficient for disease classification. Therefore, the clinical significance of this variant is uncertain.

NM_001013838.3(CARMIL2):c.1308C>G (p.Asp436Glu)

Gene: CARMIL2 (capping protein regulator and myosin 1 linker 2; plus strand). Cytogenetic location: 16q22.1.
Variant type: single nucleotide variant.
Coding change: c.1308C>G on transcript NM_001013838.3 (MANE Select); coding-DNA position 1308, C replaced by G.
Protein change: p.Asp436Glu; replaces aspartic acid 436 with glutamic acid.
Molecular consequence: missense variant.
Genome position (GRCh38, 1-based): chr16:67,648,288, C>G. VCF-style: chr16-67648288-C-G. GRCh37 (hg19) VCF-style: chr16-67682191-C-G.
Other names: c.1200C>G, p.Asp400Glu (NM_001317026.3); short protein forms D400E, D436E.
Identifiers: ClinVar variation 1585289 (VCV001585289.10), dbSNP rs202220889, ClinGen allele CA8113397.